The following is an entry in ClinVar:

ClinVar aggregate classification (germline): Uncertain significance (1 of 4 stars; one submission).

Submission:

Labcorp Genetics (formerly Invitae), Labcorp
Classification: Uncertain significance. Last evaluated: 2023-08-30. Review status: criteria provided, single submitter. Criteria: Invitae Variant Classification Sherloc (09022015). Collection method: clinical testing. Allele origin: germline.
Comment: In summary, the available evidence is currently insufficient to determine the role of this variant in disease. Therefore, it has been classified as a Variant of Uncertain Significance. An algorithm developed to predict the effect of missense changes on protein structure and function (PolyPhen-2) suggests that this variant is likely to be tolerated. ClinVar contains an entry for this variant (Variation ID: 1359112). This variant has not been reported in the literature in individuals affected with CLCN6-related conditions. This variant is not present in population databases (gnomAD no frequency). This sequence change replaces glycine, which is neutral and non-polar, with valine, which is neutral and non-polar, at codon 641 of the CLCN6 protein (p.Gly641Val).

NM_001286.5(CLCN6):c.1922G>T (p.Gly641Val)

Gene: CLCN6 (chloride voltage-gated channel 6; plus strand). Cytogenetic location: 1p36.22.
Variant type: single nucleotide variant.
Coding change: c.1922G>T on transcript NM_001286.5 (MANE Select); coding-DNA position 1922, G replaced by T.
Protein change: p.Gly641Val; replaces glycine 641 with valine.
Molecular consequence: missense variant. On other transcripts: non-coding transcript variant (1).
Genome position (GRCh38, 1-based): chr1:11,836,095, G>T. VCF-style: chr1-11836095-G-T. GRCh37 (hg19) VCF-style: chr1-11896152-G-T.
Other names: c.1856G>T, p.Gly619Val (NM_001256959.2); short protein forms G619V, G641V.
Identifiers: ClinVar variation 1359112 (VCV001359112.8), dbSNP rs1644940702, ClinGen allele CA338438630.
Genomic context (GRCh38, chr1:11,836,095, plus strand): 5'-TGGTGAGCATCCTGCGCACCACGGTCCACCATGCCTTCCCGGTGGTCACAGAGAACCGCG[G>T]TAACGAGAAGGAGTTCATGAAGGGCAACCAGCTCATCAGCAACAACATCAAGTTCAAGGT-3'
Protein context (NP_001277.2, residues 631-651): HAFPVVTENR[Gly641Val]NEKEFMKGNQ